The following is an entry in ClinVar:

ClinVar aggregate classification (germline): Likely benign (1 of 4 stars; one submission).

Allele frequency attached by ClinVar (database versions not stated): ESP Exome Variant Server 0.00330; gnomAD 0.00378; ExAC 0.00452; 1000 Genomes Project 0.00280; 1000 Genomes Project 30x 0.00297.
gnomAD v4.1: 7,114 of 1,598,898 alleles (0.44%); highest among the groups gnomAD compares: Middle Eastern, 0.89%; 27 homozygotes.

Submission:

CeGaT Center for Human Genetics Tuebingen
Classification: Likely benign. Last evaluated: 2023-03-01. Review status: criteria provided, single submitter. Criteria: CeGaT Center For Human Genetics Tuebingen Variant Classification Criteria Version 2. Collection method: clinical testing. Allele origin: germline. Affected: yes. Observed: 2 variant alleles.
Comment: SLC25A47: BP4, BS2

NM_207117.4(SLC25A47):c.640C>T (p.Arg214Trp)

Gene: SLC25A47 (solute carrier family 25 member 47; plus strand). Cytogenetic location: 14q32.2.
Variant type: single nucleotide variant.
Coding change: c.640C>T on transcript NM_207117.4 (MANE Select); coding-DNA position 640, C replaced by T.
Protein change: p.Arg214Trp; replaces arginine 214 with tryptophan.
Molecular consequence: missense variant.
Genome position (GRCh38, 1-based): chr14:100,329,038, C>T. VCF-style: chr14-100329038-C-T. GRCh37 (hg19) VCF-style: chr14-100795375-C-T.
Other names: c.202C>T, p.Arg68Trp (NM_001350877.2); short protein forms R214W, R68W.
Identifiers: ClinVar variation 2644525 (VCV002644525.24), dbSNP rs149283899, ClinGen allele CA7344859.
Genomic context (GRCh38, chr14:100,329,038, plus strand): 5'-GCCACCTACTTCCTTTCCTACGCGGTCCTCTGCGAGTGGCTCAGCCCCGCTGGCCACAGC[C>T]GGCCAGGTGAGCAGGGGCTGGAACCTGGCAGGGCGGGGAGCCCAGAAGGATGAGGAGGTC-3'
Protein context (NP_997000.2, residues 204-224): CEWLSPAGHS[Arg214Trp]PDVPGVLVAG